The following is an entry in ClinVar:

ClinVar aggregate classification (germline): Uncertain significance (1 of 4 stars; one submission).

Conditions:
Primary ciliary dyskinesia. Also called: Ciliary dyskinesia. Identifiers: Orphanet 244, MedGen C0008780, MONDO:0016575, HP:0012265.

Allele frequency attached by ClinVar (database versions not stated): gnomAD exomes below 0.00001; TOPMed below 0.00001; gnomAD 0.00001.
gnomAD v4.1: 2 of 1,607,900 alleles (0.00012%); highest among the groups gnomAD compares: Non-Finnish European, 0.00017%; no homozygotes.

Submission:

Labcorp Genetics (formerly Invitae), Labcorp
Classification: Uncertain significance for Primary ciliary dyskinesia. Last evaluated: 2026-01-12. Review status: criteria provided, single submitter. Criteria: Invitae Variant Classification Sherloc (09022015). Collection method: clinical testing. Allele origin: germline.
Comment: This sequence change replaces phenylalanine, which is neutral and non-polar, with valine, which is neutral and non-polar, at codon 568 of the DNAH8 protein (p.Phe568Val). This variant is not present in population databases (gnomAD no frequency). This variant has not been reported in the literature in individuals affected with DNAH8-related conditions. ClinVar contains an entry for this variant (Variation ID: 1713531). Experimental studies and prediction algorithms are not available or were not evaluated, and the functional significance of this variant is currently unknown. In summary, the available evidence is currently insufficient to determine the role of this variant in disease. Therefore, it has been classified as a Variant of Uncertain Significance.

NM_001206927.2(DNAH8):c.1702T>G (p.Phe568Val)

Gene: DNAH8 (dynein axonemal heavy chain 8; plus strand). Cytogenetic location: 6p21.2.
Variant type: single nucleotide variant.
Coding change: c.1702T>G on transcript NM_001206927.2 (MANE Select); coding-DNA position 1702, T replaced by G.
Protein change: p.Phe568Val; replaces phenylalanine 568 with valine.
Molecular consequence: missense variant.
Genome position (GRCh38, 1-based): chr6:38,770,497, T>G. VCF-style: chr6-38770497-T-G. GRCh37 (hg19) VCF-style: chr6-38738273-T-G.
Other names: c.1051T>G, p.Phe351Val (NM_001371.4); short protein forms F351V, F568V.
Identifiers: ClinVar variation 1713531 (VCV001713531.6), dbSNP rs1385917517, ClinGen allele CA363988039.